The following is an entry in ClinVar:

ClinVar aggregate classification (germline): Pathogenic (1 of 4 stars; one submission).

Conditions:
Congenital hyperammonemia, type I. Also called: CPS I DEFICIENCY; Carbamoyl phosphate synthetase I deficiency disease; Carbamoyl-phosphate synthase I deficiency; Carbamoyl phosphate synthetase 1 deficiency; Hyperammonemia due to carbamoyl phosphate synthetase 1 deficiency; CPS 1 deficiency. Identifiers: Orphanet 147, MedGen C4082171, MONDO:0009376, OMIM 237300.

Submission:

Myriad Genetics, Inc.
Classification: Pathogenic for Congenital hyperammonemia, type I. Last evaluated: 2025-08-14. Review status: criteria provided, single submitter. Criteria: Myriad Autosomal Dominant, Autosomal Recessive and X-Linked Classification Criteria (2023). Collection method: clinical testing. Allele origin: unknown.
Comment: NM_001875.4(CPS1):c.2167_2186del20(S723Hfs*22) is a frameshift variant classified as pathogenic in the context of carbamoylphosphate synthetase I deficiency. S723Hfs*22 has not been observed in cases with relevant disease. Relevant functional assessments of this variant are not available in the literature. S723Hfs*22 has not been observed in referenced population frequency databases. In summary, NM_001875.4(CPS1):c.2167_2186del20(S723Hfs*22) is a frameshift variant in a gene where loss of function is a known mechanism of disease and is predicted to disrupt protein function. Please note: this variant was assessed in the context of healthy population screening.

NM_001875.5(CPS1):c.2167_2186del (p.Ser723fs)

Gene: CPS1 (carbamoyl-phosphate synthase 1; plus strand). Cytogenetic location: 2q34.
Variant type: Deletion.
Coding change: c.2167_2186del on transcript NM_001875.5 (MANE Select); coding-DNA positions 2167 to 2186, 20 bases deleted (TCTGCTCTGGCCTCAAAAGC).
Protein change: p.Ser723fs; shifts the reading frame from serine 723.
Molecular consequence: frameshift variant. On other transcripts: non-coding transcript variant (2).
Genome position (GRCh38, 1-based): chr2:210,606,916-210,606,935, TCTGCTCTGGCCTCAAAAGC deleted; deleting any 20 consecutive bases within chr2:210,606,912-210,606,935 gives the same sequence; the c. name uses the placement nearest the transcript's 3' end. VCF-style (leftmost placement, unchanged base first): chr2-210606911-GAAGCTCTGCTCTGGCCTCAA-G. GRCh37 (hg19) VCF-style: chr2-211471635-GAAGCTCTGCTCTGGCCTCAA-G.
Other names: c.2167_2186del, p.Ser723fs (NM_001122633.3, NM_001369257.1); c.2200_2219del, p.Ser734fs (NM_001369256.1); short protein forms S723fs, S734fs.
Identifiers: ClinVar variation 5004122 (VCV005004122.1).
Genomic context (GRCh38, chr2:210,606,911, plus strand): 5'-TTGCCCTTCATCCTACCTCAATGGAATACTGCATCATTGAAGTGAATGCCAGACTGTCCC[GAAGCTCTGCTCTGGCCTCAA>G]AAGCCACTGGGTAAGACCAGAATAATTGACCATGGGTTTGCAGATTCTTTTCAGATAGAA-3'